The following is an entry in ClinVar:

ClinVar aggregate classification (germline): not provided (0 of 4 stars; one submission).

Allele frequency attached by ClinVar (database versions not stated): TOPMed 0.54179; 1000 Genomes Project 0.59784; 1000 Genomes Project 30x 0.59869.
gnomAD v4.1: 746,031 of 1,472,328 alleles (51%); highest among the groups gnomAD compares: African/African-American, 66%; 191,666 homozygotes.

Submission:

ITMI
No classification provided. Condition: AllHighlyPenetrant. Last evaluated: 2013-09-19. Review status: no classification provided. Collection method: reference population. Allele origin: germline.
Comment: Please see associated publication for description of ethnicities

Literature cited by the submitters: PubMed 24728327.

NM_003820.4(TNFRSF14):c.305-320C>A

Gene: TNFRSF14 (TNF receptor superfamily member 14; plus strand). Cytogenetic location: 1p36.32.
Variant type: single nucleotide variant.
Coding change: c.305-320C>A on transcript NM_003820.4 (MANE Select); 320 bases into the intron before coding-DNA position 305, C replaced by A.
Molecular consequence: intron variant.
Genome position (GRCh38, 1-based): chr1:2,559,503, C>A. VCF-style: chr1-2559503-C-A. GRCh37 (hg19) VCF-style: chr1-2490942-C-A.
Other names: c.305-320C>A (NM_001297605.2).
Identifiers: ClinVar variation 133406 (VCV000133406.1), dbSNP rs2281852, ClinGen allele CA156498.
Genomic context (GRCh38, chr1:2,559,503, plus strand): 5'-ATGGGAAACCCGTTTGCGGGGTGGGTGTCTGGGTGGGCACGTGGGGCGAGGACCTGCCTG[C>A]GGGACCCTGCCCTGGAACTGACAGTGCAAGCTCGGCGTCCTGCCCATCTGGGCAGAAGGC-3'